The following is an entry in ClinVar:

ClinVar aggregate classification (germline): Uncertain significance (1 of 4 stars; one submission).

Conditions:
Charcot-Marie-Tooth disease type 4A. Also called: Charcot-Marie-Tooth disease, demyelinating, autosomal recessive, type 4a. Identifiers: Orphanet 99948, MedGen C1859198, MONDO:0008961, OMIM 214400.

Submission:

Labcorp Genetics (formerly Invitae), Labcorp
Classification: Uncertain significance for Charcot-Marie-Tooth disease type 4A. Last evaluated: 2019-02-05. Review status: criteria provided, single submitter. Criteria: Invitae Variant Classification Sherloc (09022015). Collection method: clinical testing. Allele origin: germline.
Comment: In summary, the available evidence is currently insufficient to determine the role of this variant in disease. Therefore, it has been classified as a Variant of Uncertain Significance. Algorithms developed to predict the effect of missense changes on protein structure and function are either unavailable or do not agree on the potential impact of this missense change (SIFT: "Tolerated"; PolyPhen-2: "Possibly Damaging"; Align-GVGD: "Class C15"). This variant has not been reported in the literature in individuals with GDAP1-related conditions. This variant is not present in population databases (ExAC no frequency). This sequence change replaces serine with arginine at codon 57 of the GDAP1 protein (p.Ser57Arg). The serine residue is moderately conserved and there is a moderate physicochemical difference between serine and arginine.

NM_018972.4(GDAP1):c.171T>G (p.Ser57Arg)

Gene: GDAP1 (ganglioside induced differentiation associated protein 1; plus strand). Cytogenetic location: 8q21.11.
Variant type: single nucleotide variant.
Coding change: c.171T>G on transcript NM_018972.4 (MANE Select); coding-DNA position 171, T replaced by G.
Protein change: p.Ser57Arg; replaces serine 57 with arginine.
Molecular consequence: missense variant. On other transcripts: 5 prime UTR variant (1), intron variant (2).
Genome position (GRCh38, 1-based): chr8:74,351,327, T>G. VCF-style: chr8-74351327-T-G. GRCh37 (hg19) VCF-style: chr8-75263562-T-G.
Other names: c.-34T>G (NM_001040875.4); c.171T>G, p.Ser57Arg (NM_001362930.2, NM_001362931.2); c.-18+6T>G (NM_001362929.2); c.-18+749T>G (NM_001362932.2); short protein forms S57R.
Identifiers: ClinVar variation 834186 (VCV000834186.9), dbSNP rs774799079, ClinGen allele CA371499353.
Genomic context (GRCh38, chr8:74,351,327, plus strand): 5'-CTTCCAGGTGCGCTTGGTAATTGCTGAAAAGGCATTGAAGTGCGAGGAACATGATGTAAG[T>G]CTGCCCTTGAGTGAGCACAATGAGCCTTGGTTTATGCGTTTGAACTCAACTGGAGAAGTG-3'
Protein context (NP_061845.2, residues 47-67): KALKCEEHDV[Ser57Arg]LPLSEHNEPW